The following is an entry in ClinVar:

ClinVar aggregate classification (germline): Pathogenic/Likely pathogenic. Review status: criteria provided, multiple submitters, no conflicts (2 of 4 stars). 6 submissions from 6 submitters: Pathogenic (3); Likely pathogenic (3). Last evaluated 2026-01-06.

Conditions:
Joubert syndrome. Also called: Familial aplasia of the vermis; JOUBERT-BOLTSHAUSER SYNDROME. Identifiers: Orphanet 475, MedGen C5979921, MONDO:0018772.
Meckel syndrome, type 5 (MKS5). Identifiers: Orphanet 564, MedGen C1969052, MONDO:0012695, OMIM 611561.
COACH syndrome 3. Identifiers: MedGen C5436841, MONDO:0030862, OMIM 619113.
Joubert syndrome 7 (JBTS7). Identifiers: Orphanet 220497, MedGen C1969053, MONDO:0012694, OMIM 611560.
RPGRIP1L-related disorder. Also called: RPGRIP1L-related disorders; RPGRIP1L-related condition. Identifiers: MedGen CN239416.
Joubert syndrome and related disorders. Identifiers: Orphanet 140874, MedGen C5679612, MONDO:0015369.
Meckel-Gruber syndrome. Also called: GRUBER SYNDROME; DYSENCEPHALIA SPLANCHNOCYSTICA; Dysencephalia splachnocystica. Identifiers: Orphanet 564, MedGen C0265215, MONDO:0018921.

Allele frequency attached by ClinVar (database versions not stated): TOPMed 0.00001; ExAC 0.00002.
gnomAD v4.1: 3 of 1,613,344 alleles (0.00019%); highest among the groups gnomAD compares: Admixed American, 0.005%; no homozygotes.

Submissions (6):

PreventionGenetics, part of Exact Sciences
Classification: Pathogenic for RPGRIP1L-related condition. Last evaluated: 2026-01-06. Review status: criteria provided, single submitter. Criteria: ACMG Guidelines, 2015. Collection method: clinical testing. Allele origin: germline.
Comment: The RPGRIP1L c.2303C>A variant is predicted to result in premature protein termination (p.Ser768*). To our knowledge, this variant has not been reported in the literature in individuals with RPGRIP1L-related disorders. This variant is reported in 0.0085% of alleles in individuals of Latino descent in gnomAD. Nonsense variants in RPGRIP1L are expected to be pathogenic. This variant is interpreted as pathogenic.

Natera, Inc.
Classification: Likely pathogenic for Joubert syndrome. Last evaluated: 2025-09-05. Review status: criteria provided, single submitter. Criteria: Natera Variant Classification Schema (03/2026). Collection method: clinical testing. Allele origin: germline.
Comment: The c.2303C>A variant in RPGRIP1L is a nonsense variant predicted to introduce a stop codon at amino acid 768. This variant is expected to result in nonsense mediated decay, truncation, or a dysfunctional protein product. This variant is rare in the general population with a frequency below the threshold expected for the associated phenotype(s). Given the available evidence, this variant is classified as Likely Pathogenic.

Labcorp Genetics (formerly Invitae), Labcorp
Classification: Pathogenic for Joubert syndrome; Meckel-Gruber syndrome. Last evaluated: 2025-08-10. Review status: criteria provided, single submitter. Criteria: Invitae Variant Classification Sherloc (09022015). Collection method: clinical testing. Allele origin: germline.
Comment: This sequence change creates a premature translational stop signal (p.Ser768*) in the RPGRIP1L gene. It is expected to result in an absent or disrupted protein product. Loss-of-function variants in RPGRIP1L are known to be pathogenic (PMID: 17558409). The frequency data for this variant in the population databases is considered unreliable, as metrics indicate poor data quality at this position in the gnomAD database. This variant has not been reported in the literature in individuals affected with RPGRIP1L-related conditions. ClinVar contains an entry for this variant (Variation ID: 849109). For these reasons, this variant has been classified as Pathogenic.

Fulgent Genetics
Classification: Likely pathogenic for Joubert syndrome 7; Meckel syndrome, type 5; COACH syndrome 3. Last evaluated: 2024-04-15. Review status: criteria provided, single submitter. Criteria: ACMG Guidelines, 2015. Collection method: clinical testing. Allele origin: germline.

Women's Health and Genetics/Laboratory Corporation of America, LabCorp
Classification: Pathogenic for Joubert syndrome and related disorders. Last evaluated: 2023-07-12. Review status: criteria provided, single submitter. Criteria: LabCorp Variant Classification Summary - May 2015. Collection method: clinical testing. Allele origin: germline.
Comment: Variant summary: RPGRIP1L c.2303C>A (p.Ser768X) results in a premature termination codon, predicted to cause a truncation of the encoded protein or absence of the protein due to nonsense mediated decay, which are commonly known mechanisms for disease. The variant allele was found at a frequency of 8e-06 in 251378 control chromosomes. To our knowledge, no occurrence of c.2303C>A in individuals affected with Joubert Syndrome And Related Disorders and no experimental evidence demonstrating its impact on protein function have been reported. One submitter has cited clinical-significance assessments for this variant to ClinVar after 2014 and has classified the variant as pathogenic. Based on the evidence outlined above, the variant was classified as pathogenic.

Genetic Services Laboratory, University of Chicago
Classification: Likely pathogenic. Last evaluated: 2023-07-10. Review status: criteria provided, single submitter. Criteria: ACMG Guidelines, 2015. Collection method: clinical testing. Allele origin: germline. Affected: yes.
Comment: DNA sequence analysis of the RPGRIP1L gene demonstrated a sequence change, c.2303C>A, which results in the creation of a premature stop codon at amino acid position 768, p.Ser768*. This sequence change is predicted to result in an abnormal transcript, which may be degraded, or may lead to the production of a truncated RPGRIP1L protein with potentially abnormal function. This sequence change has been described in the gnomAD database in three individuals corresponding to a population frequency 0.001% (dbSNP rs542206983). This sequence change has previously been described in an individual with inherited retinal disease (PMID: 31964843). Based on these collective evidences, this sequence change is classified as likely pathogenic, however functional studies have not been performed to prove this conclusively.

Literature cited by the submitters: PubMed 17558409 (cited by Labcorp Genetics (formerly Invitae), Labcorp).

NM_015272.5(RPGRIP1L):c.2303C>A (p.Ser768Ter)

Gene: RPGRIP1L (RPGRIP1 like; minus strand). Cytogenetic location: 16q12.2.
Variant type: single nucleotide variant.
Coding change: c.2303C>A on transcript NM_015272.5 (MANE Select); coding-DNA position 2303, C replaced by A.
Protein change: p.Ser768Ter; replaces serine 768 with a stop codon.
Molecular consequence: nonsense.
Genome position (GRCh38, 1-based): chr16:53,648,965, G>T on the plus strand (C>A on the coding strand, the complement: RPGRIP1L is on the minus strand). VCF-style: chr16-53648965-G-T. GRCh37 (hg19) VCF-style: chr16-53682877-G-T.
Other names: c.2303C>A, p.Ser768Ter (NM_001127897.4, NM_001308334.3, NM_001330538.2); c.2303C>A (NM_015272.4); short protein forms S768*.
Identifiers: ClinVar variation 849109 (VCV000849109.14), dbSNP rs542206983, ClinGen allele CA8057588.
Genomic context (GRCh38, chr16:53,648,965, plus strand): 5'-TAAATAAATATTATAAAATTTCTATGTCATAAAAGGGTCTTAAAGCCAAATGAGCTTACC[G>T]ACTGCATATGCTCTGGCCCCTTAAAATTTGATGTTATATACCCCAAAGCCTTTGCCCTTT-3'